The following is an entry in ClinVar:

NM_024675.4(PALB2):c.1863del (p.Lys623fs)

Gene: PALB2 (partner and localizer of BRCA2; minus strand). Cytogenetic location: 16p12.2.
Variant type: Deletion.
Coding change: c.1863del on transcript NM_024675.4 (MANE Select); coding-DNA position 1863, one base deleted (T; older notation c.1863delT).
Protein change: p.Lys623fs; shifts the reading frame from lysine 623.
Molecular consequence: frameshift variant.
Genome position (GRCh38, 1-based): chr16:23,630,291, A deleted on the plus strand (T on the coding strand, the reverse complement: PALB2 is on the minus strand). VCF-style (leftmost placement, unchanged base first): chr16-23630290-GA-G. GRCh37 (hg19) VCF-style: chr16-23641611-GA-G.
Other names: c.1803delT, p.Lys603Serfs (NM_001407296.1); c.1863delT, p.Lys623Serfs (NM_001407297.1, NM_001407298.1, NM_001407299.1 and 3 more transcripts); c.978delT, p.Lys328Serfs (NM_001407304.1, NM_001407305.1, NM_001407306.1 and 5 more transcripts); c.75delT, p.Lys27Serfs (NM_001407312.1, NM_001407313.1); short protein forms K623fs.
Identifiers: ClinVar variation 1781542 (VCV001781542.2), dbSNP rs2506433317, ClinGen allele CA2580091386.
Genomic context (GRCh38, chr16:23,630,290, plus strand): 5'-TTTTTGACTCAAAGGGCTCCACTGGTTTTTCTGAGCAGGACTTCACTTTTTCAAGCTTAA[GA>G]GGTCCAAAGTCTTCATCAGGTAACTGAAAGTCTGTGATACTGAGAAAAGACAGTAGTTGC-3'

ClinVar aggregate classification (germline): Pathogenic (1 of 4 stars; one submission).

Conditions:
Hereditary cancer-predisposing syndrome. Also called: Neoplastic Syndromes, Hereditary; Tumor predisposition; Hereditary Cancer Syndrome; Hereditary neoplastic syndrome. Identifiers: Orphanet 140162, MedGen C0027672, MeSH D009386, MONDO:0015356.

Submission:

Ambry Genetics
Classification: Pathogenic for Hereditary cancer-predisposing syndrome. Last evaluated: 2020-04-20. Review status: criteria provided, single submitter. Criteria: Ambry Variant Classification Scheme 2023. Collection method: clinical testing. Allele origin: germline.
Comment: The c.1863delT pathogenic mutation, located in coding exon 5 of the PALB2 gene, results from a deletion of one nucleotide at nucleotide position 1863, causing a translational frameshift with a predicted alternate stop codon (p.K623Sfs*5). This alteration is expected to result in loss of function by premature protein truncation or nonsense-mediated mRNA decay. As such, this alteration is interpreted as a disease-causing mutation.